The following is an entry in ClinVar:

NM_004329.3(BMPR1A):c.828A>G (p.Glu276=)

Gene: BMPR1A (bone morphogenetic protein receptor type 1A; plus strand). Cytogenetic location: 10q23.2.
Variant type: single nucleotide variant.
Coding change: c.828A>G on transcript NM_004329.3 (MANE Select); coding-DNA position 828, A replaced by G.
Protein change: p.Glu276=; no amino-acid change (glutamic acid 276 retained).
Molecular consequence: synonymous variant.
Genome position (GRCh38, 1-based): chr10:86,917,286, A>G. VCF-style: chr10-86917286-A-G. GRCh37 (hg19) VCF-style: chr10-88677043-A-G.
Identifiers: ClinVar variation 482851 (VCV000482851.8), dbSNP rs1554890804, ClinGen allele CA470308092.

ClinVar aggregate classification (germline): Benign/Likely benign. Review status: criteria provided, multiple submitters, no conflicts (2 of 4 stars). 3 submissions from 3 submitters: Benign (1); Likely benign (2). Last evaluated 2024-09-25.

Conditions:
Juvenile polyposis syndrome (JPS). Identifiers: Orphanet 2929, MedGen C0345893, MONDO:0017380, OMIM 174900.
Hereditary cancer-predisposing syndrome. Also called: Hereditary neoplastic syndrome; Neoplastic Syndromes, Hereditary; Tumor predisposition; Hereditary Cancer Syndrome. Identifiers: Orphanet 140162, MedGen C0027672, MeSH D009386, MONDO:0015356.

Allele frequency attached by ClinVar (database versions not stated): gnomAD exomes below 0.00001.
gnomAD v4.1: 1 of 1,614,116 alleles (0.000062%); highest among the groups gnomAD compares: East Asian, 0.0022%; no homozygotes.

Submissions (3):

Labcorp Genetics (formerly Invitae), Labcorp
Classification: Likely benign for Juvenile polyposis syndrome. Last evaluated: 2024-09-25. Review status: criteria provided, single submitter. Criteria: Invitae Variant Classification Sherloc (09022015). Collection method: clinical testing. Allele origin: germline.

Myriad Genetics, Inc.
Classification: Benign for Juvenile polyposis syndrome. Last evaluated: 2024-08-05. Review status: criteria provided, single submitter. Criteria: Myriad Autosomal Dominant, Autosomal Recessive and X-Linked Classification Criteria (2023). Collection method: clinical testing. Allele origin: unknown.
Comment: This variant is considered benign. This variant is a silent/synonymous amino acid change and it is not expected to impact splicing.

Ambry Genetics
Classification: Likely benign for Hereditary cancer-predisposing syndrome. Last evaluated: 2017-09-13. Review status: criteria provided, single submitter. Criteria: Ambry Variant Classification Scheme 2023. Collection method: clinical testing. Allele origin: germline.